The following is an entry in ClinVar:

NM_004336.5(BUB1):c.2881A>C (p.Ile961Leu)

Gene: BUB1 (BUB1 mitotic checkpoint serine/threonine kinase; minus strand). Cytogenetic location: 2q13.
Variant type: single nucleotide variant.
Coding change: c.2881A>C on transcript NM_004336.5 (MANE Select); coding-DNA position 2881, A replaced by C.
Protein change: p.Ile961Leu; replaces isoleucine 961 with leucine.
Molecular consequence: missense variant.
Genome position (GRCh38, 1-based): chr2:110,641,108, T>G on the plus strand (A>C on the coding strand, the complement: BUB1 is on the minus strand). VCF-style: chr2-110641108-T-G. GRCh37 (hg19) VCF-style: chr2-111398685-T-G.
Other names: c.2821A>C, p.Ile941Leu (NM_001278616.2); c.2710A>C, p.Ile904Leu (NM_001278617.2); short protein forms I941L, I961L, I904L.
Identifiers: ClinVar variation 1797177 (VCV001797177.2), dbSNP rs2467970266, ClinGen allele CA348089094.

ClinVar aggregate classification (germline): Uncertain significance (1 of 4 stars; one submission).

Submission:

Ambry Genetics
Classification: Uncertain significance. Last evaluated: 2022-08-22. Review status: criteria provided, single submitter. Criteria: Ambry Variant Classification Scheme 2023. Collection method: clinical testing. Allele origin: germline.
Comment: The p.I961L variant (also known as c.2881A>C), located in coding exon 23 of the BUB1 gene, results from an A to C substitution at nucleotide position 2881. The isoleucine at codon 961 is replaced by leucine, an amino acid with highly similar properties. This amino acid position is conserved. In addition, this alteration is predicted to be tolerated by in silico analysis. Since supporting evidence is limited at this time, the clinical significance of this alteration remains unclear.